The following is an entry in ClinVar:

NM_005733.3(KIF20A):c.593C>T (p.Thr198Ile)

Gene: KIF20A (kinesin family member 20A; plus strand). Cytogenetic location: 5q31.2.
Variant type: single nucleotide variant.
Coding change: c.593C>T on transcript NM_005733.3 (MANE Select); coding-DNA position 593, C replaced by T.
Protein change: p.Thr198Ile; replaces threonine 198 with isoleucine.
Molecular consequence: missense variant.
Genome position (GRCh38, 1-based): chr5:138,182,664, C>T. VCF-style: chr5-138182664-C-T. GRCh37 (hg19) VCF-style: chr5-137518353-C-T.
Other names: short protein forms T198I.
Identifiers: ClinVar variation 1915679 (VCV001915679.5), dbSNP rs1754679820, ClinGen allele CA361113468.

ClinVar aggregate classification (germline): Uncertain significance (1 of 4 stars; one submission).

Allele frequency attached by ClinVar (database versions not stated): gnomAD exomes 0.00001.
gnomAD v4.1: 13 of 1,614,152 alleles (0.00081%); highest among the groups gnomAD compares: Non-Finnish European, 0.0011%; no homozygotes.

Submission:

Labcorp Genetics (formerly Invitae), Labcorp
Classification: Uncertain significance. Last evaluated: 2022-09-14. Review status: criteria provided, single submitter. Criteria: Invitae Variant Classification Sherloc (09022015). Collection method: clinical testing. Allele origin: germline.
Comment: In summary, the available evidence is currently insufficient to determine the role of this variant in disease. Therefore, it has been classified as a Variant of Uncertain Significance. Algorithms developed to predict the effect of missense changes on protein structure and function output the following: SIFT: "Deleterious"; PolyPhen-2: "Benign"; Align-GVGD: "Class C65". The isoleucine amino acid residue is found in multiple mammalian species, which suggests that this missense change does not adversely affect protein function. This variant has not been reported in the literature in individuals affected with KIF20A-related conditions. This variant is not present in population databases (gnomAD no frequency). This sequence change replaces threonine, which is neutral and polar, with isoleucine, which is neutral and non-polar, at codon 198 of the KIF20A protein (p.Thr198Ile).